The following is an entry in ClinVar:

ClinVar aggregate classification (germline): Pathogenic (1 of 4 stars; one submission).

Conditions:
Neuropathy, hereditary sensory, type 2C. Also called: KIF1A-Related HSAN2 (HSAN2C); Hereditary sensory and autonomic neuropathy type IIC. Identifiers: Orphanet 970, MedGen C3280168, MONDO:0013634, OMIM 614213.
Hereditary spastic paraplegia 30. Identifiers: Orphanet 101010, MedGen C5235139, MONDO:0012476.
Intellectual disability, autosomal dominant 9 (NESCAVS). Also called: KIF1A-Related Neurodevelopmental Disorder; NESCAV SYNDROME. Identifiers: Orphanet 662367, MedGen C5393830, MONDO:0013656, OMIM 614255.

Submission:

Labcorp Genetics (formerly Invitae), Labcorp
Classification: Pathogenic for Hereditary spastic paraplegia 30; Neuropathy, hereditary sensory, type 2C; Intellectual disability, autosomal dominant 9. Last evaluated: 2025-06-22. Review status: criteria provided, single submitter. Criteria: Invitae Variant Classification Sherloc (09022015). Collection method: clinical testing. Allele origin: germline.
Comment: This sequence change replaces cysteine, which is neutral and slightly polar, with arginine, which is basic and polar, at codon 92 of the KIF1A protein (p.Cys92Arg). This variant is not present in population databases (gnomAD no frequency). This missense change has been observed in individual(s) with autosomal dominant KIF1A-related conditions (PMID: 32652677). In at least one individual the variant was observed to be de novo. Invitae Evidence Modeling of protein sequence and biophysical properties (such as structural, functional, and spatial information, amino acid conservation, physicochemical variation, residue mobility, and thermodynamic stability) indicates that this missense variant is expected to disrupt KIF1A protein function with a positive predictive value of 95%. Experimental studies have shown that this missense change affects KIF1A function (PMID: 32652677). For these reasons, this variant has been classified as Pathogenic.

Literature cited by the submitters: PubMed 32652677.

NM_001244008.2(KIF1A):c.274T>C (p.Cys92Arg)

Gene: KIF1A (kinesin family member 1A; minus strand). Cytogenetic location: 2q37.3.
Variant type: single nucleotide variant.
Coding change: c.274T>C on transcript NM_001244008.2 (MANE Select); coding-DNA position 274, T replaced by C.
Protein change: p.Cys92Arg; replaces cysteine 92 with arginine.
Molecular consequence: missense variant.
Genome position (GRCh38, 1-based): chr2:240,788,140, A>G on the plus strand (T>C on the coding strand, the complement: KIF1A is on the minus strand). VCF-style: chr2-240788140-A-G. GRCh37 (hg19) VCF-style: chr2-241727557-A-G.
Other names: c.274T>C, p.Cys92Arg (NM_001320705.2, NM_001330289.2, NM_001330290.2 and 20 more transcripts); short protein forms C92R.
Identifiers: ClinVar variation 4795001 (VCV004795001.1).